The following is an entry in ClinVar:

NM_001940.4(ATN1):c.2566C>G (p.Pro856Ala)

Gene: ATN1 (atrophin 1; plus strand). Cytogenetic location: 12p13.31.
Variant type: single nucleotide variant.
Coding change: c.2566C>G on transcript NM_001940.4 (MANE Select); coding-DNA position 2566, C replaced by G.
Protein change: p.Pro856Ala; replaces proline 856 with alanine.
Molecular consequence: missense variant.
Genome position (GRCh38, 1-based): chr12:6,938,529, C>G. VCF-style: chr12-6938529-C-G. GRCh37 (hg19) VCF-style: chr12-7047692-C-G.
Other names: c.2566C>G, p.Pro856Ala (NM_001007026.2); short protein forms P856A.
Identifiers: ClinVar variation 2573481 (VCV002573481.1), dbSNP rs1172546065, ClinGen allele CA383736296.
Genomic context (GRCh38, chr12:6,938,529, plus strand): 5'-TGTATCCCACAGAAGTTGGCTCAGGAGGGCCGTGCTCCGGTGGAATGCCCATCTCTGGGC[C>G]CAGTGCCCCATCGCCCTCCATTTGAACCGGGCAGTGCGGTGGCTACAGTGCCCCCCTACC-3'
Protein context (NP_001931.2, residues 846-866): RAPVECPSLG[Pro856Ala]VPHRPPFEPG

ClinVar aggregate classification (germline): Uncertain significance (1 of 4 stars; one submission).

Allele frequency attached by ClinVar (database versions not stated): gnomAD exomes below 0.00001.

Submission:

Women's Health and Genetics/Laboratory Corporation of America, LabCorp
Classification: Uncertain significance. Last evaluated: 2023-06-07. Review status: criteria provided, single submitter. Criteria: LabCorp Variant Classification Summary - May 2015. Collection method: clinical testing. Allele origin: germline.
Comment: Variant summary: ATN1 c.2566C>G (p.Pro856Ala) results in a non-conservative amino acid change in the encoded protein sequence. Three of five in-silico tools predict a benign effect of the variant on protein function. The variant allele was found at a frequency of 4e-06 (i.e., 1 heterozygote) in 250914 control chromosomes (gnomAD, v2.1). The available data on variant occurrences in the general population are insufficient to allow any conclusion about variant significance. To our knowledge, no occurrence of c.2566C>G in individuals affected with ATN1-Related Disorders and no experimental evidence demonstrating its impact on protein function have been reported. No clinical diagnostic laboratories have submitted clinical-significance assessments for this variant to ClinVar after 2014. Based on the evidence outlined above, the variant was classified as uncertain significance.